The following is an entry in ClinVar:

NM_000352.6(ABCC8):c.1818C>T (p.Ser606=)

Gene: ABCC8 (ATP binding cassette subfamily C member 8; minus strand). Cytogenetic location: 11p15.1.
Variant type: single nucleotide variant.
Coding change: c.1818C>T on transcript NM_000352.6 (MANE Select); coding-DNA position 1818, C replaced by T.
Protein change: p.Ser606=; no amino-acid change (serine 606 retained).
Molecular consequence: synonymous variant. On other transcripts: non-coding transcript variant (1).
Genome position (GRCh38, 1-based): chr11:17,428,670, G>A on the plus strand (C>T on the coding strand, the complement: ABCC8 is on the minus strand). VCF-style: chr11-17428670-G-A. GRCh37 (hg19) VCF-style: chr11-17450217-G-A.
Other names: c.1818C>T (NM_000352.3); c.1818C>T, p.Ser606= (NM_001287174.3, NM_001351295.2); c.1815C>T, p.Ser605= (NM_001351296.2, NM_001351297.2).
Identifiers: ClinVar variation 1677035 (VCV001677035.2), dbSNP rs202207978, ClinGen allele CA5903420.
Genomic context (GRCh38, chr11:17,428,670, plus strand): 5'-GGGGGCACACTGCTCCTCACGGATCTCTGCACTGGACAGGAACTCGCTTAGCTTTTGCAC[G>A]CTGCTCGGGAAGCACAGAGACACCCCTCACCCCTGCCAGGGGCAGAGGGGAGGGGAGAGG-3'
Protein context (NP_000343.2, residues 596-616): VVRSTVKALV[Ser606=]VQKLSEFLSS

ClinVar aggregate classification (germline): Likely benign. Review status: criteria provided, multiple submitters, no conflicts (2 of 4 stars). 2 submissions from 2 submitters: Likely benign (2). Last evaluated 2025-06-23.

Conditions:
Inborn genetic diseases. Identifiers: MedGen C0950123, MeSH D030342.

Allele frequency attached by ClinVar (database versions not stated): ExAC 0.00002; gnomAD exomes 0.00002; TOPMed 0.00002; gnomAD 0.00003 and 0.00004; ESP Exome Variant Server 0.00008.
gnomAD v4.1: 27 of 1,612,384 alleles (0.0017%); highest among the groups gnomAD compares: Middle Eastern, 0.033%; no homozygotes.

Submissions (2):

Ambry Genetics
Classification: Likely benign for Inborn genetic diseases. Last evaluated: 2025-06-23. Review status: criteria provided, single submitter. Criteria: Ambry Variant Classification Scheme 2023. Collection method: clinical testing. Allele origin: germline.

Women's Health and Genetics/Laboratory Corporation of America, LabCorp
Classification: Likely benign. Last evaluated: 2022-03-08. Review status: criteria provided, single submitter. Criteria: LabCorp Variant Classification Summary - May 2015. Collection method: clinical testing. Allele origin: germline.
Comment: Variant summary: ABCC8 c.1818C>T (p.Ser606Ser) alters a non-conserved nucleotide located close to a canonical splice site and therefore could affect mRNA splicing, leading to a significantly altered protein sequence. 4/4 computational tools predict no significant impact on normal splicing. However, these predictions have yet to be confirmed by functional studies. The variant allele was found at a frequency of 2e-05 in 249758 control chromosomes. The available data on variant occurrences in the general population are insufficient to allow any conclusion about variant significance. To our knowledge, no occurrence of c.1818C>T in individuals affected with Familial Hyperinsulinism and no experimental evidence demonstrating its impact on protein function have been reported. No clinical diagnostic laboratories have submitted clinical-significance assessments for this variant to ClinVar after 2014. Based on the evidence outlined above, the variant was classified as likely benign.